The following is an entry in ClinVar:

ClinVar aggregate classification (germline): Conflicting classifications of pathogenicity. Review status: criteria provided, conflicting classifications (1 of 4 stars). 3 submissions from 3 submitters: Uncertain significance (1); Benign (1); Likely benign (1). Last evaluated 2025-01-08.

Conditions:
Familial cancer of breast. Also called: BREAST CANCER, FAMILIAL; Hereditary breast cancer; hereditary breast carcinoma. Identifiers: Orphanet 227535, MedGen C0346153, MONDO:0016419, OMIM 114480. Disease mechanism: loss of function.
Hereditary cancer-predisposing syndrome. Also called: Tumor predisposition; Neoplastic Syndromes, Hereditary; Hereditary Cancer Syndrome; Hereditary neoplastic syndrome. Identifiers: Orphanet 140162, MedGen C0027672, MeSH D009386, MONDO:0015356.
Ataxia-telangiectasia syndrome (AT). Also called: LOUIS-BAR SYNDROME; Cerebello-oculocutaneous telangiectasia; Immunodeficiency with ataxia telangiectasia; Ataxia-telangiectasia, complementation group D; AT, COMPLEMENTATION GROUP C; ATAXIA-TELANGIECTASIA, COMPLEMENTATION GROUP A. Identifiers: Orphanet 100, MedGen C0004135, MONDO:0008840, OMIM 208900.

Submissions (3):

Ambry Genetics
Classification: Likely benign for Hereditary cancer-predisposing syndrome. Last evaluated: 2025-01-08. Review status: criteria provided, single submitter. Criteria: Ambry Variant Classification Scheme 2023. Collection method: clinical testing. Allele origin: germline.

Myriad Genetics, Inc.
Classification: Benign for Familial cancer of breast. Last evaluated: 2024-04-30. Review status: criteria provided, single submitter. Criteria: Myriad Autosomal Dominant, Autosomal Recessive and X-Linked Classification Criteria (2023). Collection method: clinical testing. Allele origin: unknown.
Comment: This variant is considered benign. This variant is a silent/synonymous amino acid change and it is not expected to impact splicing.

Labcorp Genetics (formerly Invitae), Labcorp
Classification: Uncertain significance for Ataxia-telangiectasia syndrome. Last evaluated: 2023-11-04. Review status: criteria provided, single submitter. Criteria: Invitae Variant Classification Sherloc (09022015). Collection method: clinical testing. Allele origin: germline.
Comment: This sequence change affects codon 542 of the ATM mRNA. It is a 'silent' change, meaning that it does not change the encoded amino acid sequence of the ATM protein. This variant is not present in population databases (gnomAD no frequency). This variant has not been reported in the literature in individuals affected with ATM-related conditions. ClinVar contains an entry for this variant (Variation ID: 1776706). Algorithms developed to predict the effect of sequence changes on RNA splicing suggest that this variant may disrupt the consensus splice site. In summary, the available evidence is currently insufficient to determine the role of this variant in disease. Therefore, it has been classified as a Variant of Uncertain Significance.

NM_000051.4(ATM):c.1626G>A (p.Leu542=)

Gene: ATM (ATM serine/threonine kinase; plus strand). Cytogenetic location: 11q22.3.
Variant type: single nucleotide variant.
Coding change: c.1626G>A on transcript NM_000051.4 (MANE Select); coding-DNA position 1626, G replaced by A.
Protein change: p.Leu542=; no amino-acid change (leucine 542 retained).
Molecular consequence: synonymous variant.
Genome position (GRCh38, 1-based): chr11:108,251,855, G>A. VCF-style: chr11-108251855-G-A. GRCh37 (hg19) VCF-style: chr11-108122582-G-A.
Other names: c.1626G>A, p.Leu542= (NM_001351834.2).
Identifiers: ClinVar variation 1776706 (VCV001776706.7), dbSNP rs2135339192, ClinGen allele CA476672033.